The following is an entry in ClinVar:

NM_004393.6(DAG1):c.160C>G (p.Leu54Val)

Gene: DAG1 (dystroglycan 1; plus strand). Cytogenetic location: 3p21.31.
Variant type: single nucleotide variant.
Coding change: c.160C>G on transcript NM_004393.6 (MANE Select); coding-DNA position 160, C replaced by G.
Protein change: p.Leu54Val; replaces leucine 54 with valine.
Molecular consequence: missense variant.
Genome position (GRCh38, 1-based): chr3:49,510,694, C>G. VCF-style: chr3-49510694-C-G. GRCh37 (hg19) VCF-style: chr3-49548127-C-G.
Other names: c.160C>G, p.Leu54Val (NM_001165928.4, NM_001177644.3, NM_001177634.3 and 9 more transcripts); short protein forms L54V.
Identifiers: ClinVar variation 1929305 (VCV001929305.6), dbSNP rs144196027, ClinGen allele CA2398830.

ClinVar aggregate classification (germline): Uncertain significance. Review status: criteria provided, multiple submitters, no conflicts (2 of 4 stars). 2 submissions from 2 submitters: Uncertain significance (2). Last evaluated 2025-08-21.

Conditions:
Muscular dystrophy-dystroglycanopathy (congenital with brain and eye anomalies), type A9. Also called: Muscular dystrophy-dystroglycanopathy (congenital with brain and eye anomalies), type a, 9; WALKER-WARBURG SYNDROME OR MUSCLE-EYE BRAIN DISEASE, DAG1-RELATED. Identifiers: Orphanet 370997, Orphanet 899, MedGen C4225291, MONDO:0014683, OMIM 616538.
Autosomal recessive limb-girdle muscular dystrophy type 2P. Also called: Limb-Girdle Muscular Dystrophy Type 9C; MUSCULAR DYSTROPHY-DYSTROGLYCANOPATHY, LIMB-GIRDLE, DAG1-RELATED; MUSCULAR DYSTROPHY, LIMB-GIRDLE, TYPE 2P. Identifiers: Orphanet 280333, MedGen C4511963, MONDO:0013440, OMIM 613818.

Allele frequency attached by ClinVar (database versions not stated): gnomAD exomes 0.00009; gnomAD 0.00004; 1000 Genomes Project 0.00080; ExAC 0.00010; 1000 Genomes Project 30x 0.00078; TOPMed 0.00005.
gnomAD v4.1: 129 of 1,614,186 alleles (0.008%); highest among the groups gnomAD compares: East Asian, 0.29%; no homozygotes.

Submissions (2):

Labcorp Genetics (formerly Invitae), Labcorp
Classification: Uncertain significance for Autosomal recessive limb-girdle muscular dystrophy type 2P; Muscular dystrophy-dystroglycanopathy (congenital with brain and eye anomalies), type A9. Last evaluated: 2025-08-21. Review status: criteria provided, single submitter. Criteria: Invitae Variant Classification Sherloc (09022015). Collection method: clinical testing. Allele origin: germline.
Comment: This sequence change replaces leucine, which is neutral and non-polar, with valine, which is neutral and non-polar, at codon 54 of the DAG1 protein (p.Leu54Val). This variant is present in population databases (rs144196027, gnomAD 0.1%). This variant has not been reported in the literature in individuals affected with DAG1-related conditions. ClinVar contains an entry for this variant (Variation ID: 1929305). Invitae Evidence Modeling of protein sequence and biophysical properties (such as structural, functional, and spatial information, amino acid conservation, physicochemical variation, residue mobility, and thermodynamic stability) indicates that this missense variant is not expected to disrupt DAG1 protein function with a negative predictive value of 80%. In summary, the available evidence is currently insufficient to determine the role of this variant in disease. Therefore, it has been classified as a Variant of Uncertain Significance.

Revvity Omics, Revvity
Classification: Uncertain significance. Last evaluated: 2024-09-05. Review status: criteria provided, single submitter. Criteria: ACMG Guidelines, 2015. Collection method: clinical testing. Allele origin: germline.